The following is an entry in ClinVar:

ClinVar aggregate classification (germline): Uncertain significance. Review status: criteria provided, multiple submitters, no conflicts (2 of 4 stars). 2 submissions from 2 submitters: Uncertain significance (2). Last evaluated 2023-08-08.

Conditions:
Arrhythmogenic right ventricular dysplasia 10. Also called: Arrhythmogenic Right Ventricular Dysplasia/Cardiomyopathy10; ARRHYTHMOGENIC RIGHT VENTRICULAR DYSPLASIA, FAMILIAL, 10; Arrhythmogenic right ventricular dysplasia/cardiomyopathy, type 10. Identifiers: MedGen C1857777, MONDO:0012434, OMIM 610193.
Arrhythmogenic right ventricular cardiomyopathy (ARVD). Also called: Arrhythmogenic cardiomyopathy; Cardiomyopathy, ARVC; Arrhythmogenic right ventricular dysplasia; Arrhythmogenic Right Ventricular Cardiomyopathy (ARVC). Identifiers: Orphanet 247, MedGen C0349788, MeSH D019571, MONDO:0016587. Disease mechanism: loss of function. Inheritance: Various modes of inheritance.

Submissions (2):

All of Us Research Program, National Institutes of Health
Classification: Uncertain significance for Arrhythmogenic right ventricular cardiomyopathy. Last evaluated: 2023-08-08. Review status: criteria provided, single submitter. Criteria: ACMG Guidelines, 2015. Collection method: clinical testing. Allele origin: germline. Inheritance: Autosomal dominant inheritance. Observed: 1 variant allele, 1 heterozygote.
Comment: This missense variant replaces asparagine with aspartic acid at codon 514 of the DSG2 protein. Computational prediction suggests that this variant may not impact protein structure and function (internally defined REVEL score threshold <= 0.5, PMID: 27666373). To our knowledge, functional studies have not been reported for this variant. This variant has not been reported in individuals affected with DSG2-related disorders in the literature. This variant has not been identified in the general population by the Genome Aggregation Database (gnomAD). The available evidence is insufficient to determine the role of this variant in disease conclusively. Therefore, this variant is classified as a Variant of Uncertain Significance.

This study involves interpretation of variants in research participants for the purpose of population health screening. Participant phenotype was not available at the time of variant classification. Additional details can be found in publication PMID: 35346344, PMCID: PMC8962531

Labcorp Genetics (formerly Invitae), Labcorp
Classification: Uncertain significance for Arrhythmogenic right ventricular cardiomyopathy, type 10. Last evaluated: 2018-08-08. Review status: criteria provided, single submitter. Criteria: Invitae Variant Classification Sherloc (09022015). Collection method: clinical testing. Allele origin: germline.
Comment: This sequence change replaces asparagine with aspartic acid at codon 514 of the DSG2 protein (p.Asn514Asp). The asparagine residue is highly conserved and there is a small physicochemical difference between asparagine and aspartic acid. This variant is not present in population databases (ExAC no frequency). This variant has not been reported in the literature in individuals with DSG2-related disease. Algorithms developed to predict the effect of missense changes on protein structure and function are either unavailable or do not agree on the potential impact of this missense change (SIFT: "Tolerated"; PolyPhen-2: "Probably Damaging"; Align-GVGD: "Class C0"). In summary, the available evidence is currently insufficient to determine the role of this variant in disease. Therefore, it has been classified as a Variant of Uncertain Significance.

NM_001943.5(DSG2):c.1540A>G (p.Asn514Asp)

Gene: DSG2 (desmoglein 2; plus strand). Cytogenetic location: 18q12.1.
Variant type: single nucleotide variant.
Coding change: c.1540A>G on transcript NM_001943.5 (MANE Select); coding-DNA position 1540, A replaced by G.
Protein change: p.Asn514Asp; replaces asparagine 514 with aspartic acid.
Molecular consequence: missense variant.
Genome position (GRCh38, 1-based): chr18:31,536,318, A>G. VCF-style: chr18-31536318-A-G. GRCh37 (hg19) VCF-style: chr18-29116281-A-G.
Other names: c.1540A>G (LRG_397t1); short protein forms N514D.
Identifiers: ClinVar variation 641214 (VCV000641214.2), dbSNP rs1598819735, ClinGen allele CA402141716.